The following is an entry in ClinVar:

NM_001127898.4(CLCN5):c.2360+1G>T

Genes: CLCN5 (chloride voltage-gated channel 5; plus strand), LOC126863258 (BRD4-independent group 4 enhancer GRCh37_chrX:49854497-49855696; plus strand). Cytogenetic location: Xp11.23.
Variant type: single nucleotide variant.
Coding change: c.2360+1G>T on transcript NM_001127898.4 (MANE Select); the canonical splice donor site of the intron after coding-DNA position 2360, G replaced by T.
Molecular consequence: splice donor variant.
Genome position (GRCh38, 1-based): chrX:50,090,887, G>T. VCF-style: chrX-50090887-G-T. GRCh37 (hg19) VCF-style: chrX-49855544-G-T.
Other names: c.2360+1G>T (NM_001127899.4); c.2150+1G>T (NM_000084.5); c.2210+1G>T (NM_001282163.2).
Identifiers: ClinVar variation 2737232 (VCV002737232.3), dbSNP rs2519447431, ClinGen allele CA413191544.
Genomic context (GRCh38, chrX:50,090,887, plus strand): 5'-GATCGTAGTGGATATTTTCCGAAAGCTGGGACTGCGGCAGTGCCTGGTTACACACAACGG[G>T]TAAGAAGTCTTGAGTGAAGTCAAATTGAATTGTGGGAGAAAGAGAATGCAGAGATAGAAA-3'

ClinVar aggregate classification (germline): Pathogenic (1 of 4 stars; one submission).

Submission:

Labcorp Genetics (formerly Invitae), Labcorp
Classification: Pathogenic. Last evaluated: 2023-07-17. Review status: criteria provided, single submitter. Criteria: Invitae Variant Classification Sherloc (09022015). Collection method: clinical testing. Allele origin: germline.
Comment: For these reasons, this variant has been classified as Pathogenic. This variant disrupts a region of the CLCN5 protein in which other variant(s) (p.Arg718*) have been determined to be pathogenic (PMID: 12637640, 19657328, 31672324). This suggests that this is a clinically significant region of the protein, and that variants that disrupt it are likely to be disease-causing. Variants that disrupt the consensus splice site are a relatively common cause of aberrant splicing (PMID: 17576681, 9536098). Studies have shown that disruption of this splice site results in skipping of exon 11 and introduces a new termination codon (PMID: 19673950). However the mRNA is not expected to undergo nonsense-mediated decay. This variant is also known as IVS11+1G>T. Disruption of this splice site has been observed in individual(s) with Dent disease (PMID: 19673950, 25907713). This variant is not present in population databases (gnomAD no frequency). This sequence change affects a donor splice site in intron 11 of the CLCN5 gene. RNA analysis indicates that disruption of this splice site induces altered splicing and likely disrupts the C-terminus of the protein.

Literature cited by the submitters: PubMed 12637640; PubMed 19657328; PubMed 31672324; PubMed 17576681; PubMed 9536098; PubMed 19673950; PubMed 25907713.